The following is an entry in ClinVar:

NM_080632.3(UPF3B):c.1230A>G (p.Thr410=)

Gene: UPF3B (UPF3B regulator of nonsense mediated mRNA decay; minus strand). Cytogenetic location: Xq24.
Variant type: single nucleotide variant.
Coding change: c.1230A>G on transcript NM_080632.3 (MANE Select); coding-DNA position 1230, A replaced by G.
Protein change: p.Thr410=; no amino-acid change (threonine 410 retained).
Molecular consequence: synonymous variant.
Genome position (GRCh38, 1-based): chrX:119,837,829, T>C on the plus strand (A>G on the coding strand, the complement: UPF3B is on the minus strand). VCF-style: chrX-119837829-T-C. GRCh37 (hg19) VCF-style: chrX-118971792-T-C.
Other names: c.1191A>G, p.Thr397= (NM_023010.4).
Identifiers: ClinVar variation 2630272 (VCV002630272.5), dbSNP rs2056116060, ClinGen allele CA518446912.

ClinVar aggregate classification (germline): Conflicting classifications of pathogenicity. Review status: criteria provided, conflicting classifications (1 of 4 stars). 2 submissions from 2 submitters: Uncertain significance (1); Likely benign (1). Last evaluated 2023-09-06.

Conditions:
Intellectual developmental disorder, X-linked, syndromic 14. Also called: Syndromic X-linked intellectual disability 14. Identifiers: Orphanet 776, MedGen C1970822, MONDO:0010398, OMIM 300676.
UPF3B-related disorder. Also called: UPF3B-related condition.

Allele frequency attached by ClinVar (database versions not stated): TOPMed below 0.00001; gnomAD exomes 0.00001.
gnomAD v4.1: 11 of 1,210,596 alleles (0.00091%); highest among the groups gnomAD compares: Non-Finnish European, 0.0011%; no homozygotes.

Submissions (4):

Labcorp Genetics (formerly Invitae), Labcorp
Classification: Likely benign for Intellectual developmental disorder, X-linked, syndromic 14. Last evaluated: 2023-09-06. Review status: criteria provided, single submitter. Criteria: Invitae Variant Classification Sherloc (09022015). Collection method: clinical testing. Allele origin: germline.

PreventionGenetics, part of Exact Sciences
Classification: Uncertain significance for UPF3B-related condition. Last evaluated: 2023-03-09. Review status: criteria provided, single submitter. Criteria: ACMG Guidelines, 2015. Collection method: clinical testing. Allele origin: germline.
Comment: The UPF3B c.1230A>G variant is not predicted to result in an amino acid change (p.=). This variant is predicted to alter splicing based on available splicing prediction programs (Alamut Visual Plus v1.6.1). However, the use of computer prediction programs is not equivalent to functional evidence. To our knowledge, this variant has not been reported in the literature or in a large population database, indicating this variant is rare. At this time, the clinical significance of this variant is uncertain due to the absence of conclusive functional and genetic evidence.

Dr. Peter K. Rogan Lab, Western University
No classification provided (evidence only). Condition: Nonpapillary renal cell carcinoma. Review status: no classification provided. Collection method: in vitro. Allele origin: not applicable. Functional consequence: retained intron. Not counted in ClinVar's aggregate classification.

Dr. Peter K. Rogan Lab, Western University
No classification provided (evidence only). Condition: Nonpapillary renal cell carcinoma. Review status: no classification provided. Collection method: in vitro. Allele origin: not applicable. Functional consequence: retained intron. Not counted in ClinVar's aggregate classification.